The following is an entry in ClinVar:

ClinVar aggregate classification (germline): Likely benign (1 of 4 stars; one submission).

Submission:

CeGaT Center for Human Genetics Tuebingen
Classification: Likely benign. Last evaluated: 2023-10-01. Review status: criteria provided, single submitter. Criteria: CeGaT Center For Human Genetics Tuebingen Variant Classification Criteria Version 2. Collection method: clinical testing. Allele origin: germline. Affected: yes. Observed: 1 variant allele.
Comment: PLEKHO1: PM2:Supporting, BP4, BP7

NM_016274.6(PLEKHO1):c.873T>A (p.Ala291=)

Gene: PLEKHO1 (pleckstrin homology domain containing O1; plus strand). Cytogenetic location: 1q21.2.
Variant type: single nucleotide variant.
Coding change: c.873T>A on transcript NM_016274.6 (MANE Select); coding-DNA position 873, T replaced by A.
Protein change: p.Ala291=; no amino-acid change (alanine 291 retained).
Molecular consequence: synonymous variant.
Genome position (GRCh38, 1-based): chr1:150,159,166, T>A. VCF-style: chr1-150159166-T-A. GRCh37 (hg19) VCF-style: chr1-150131361-T-A.
Other names: c.357T>A, p.Ala119= (NM_001304722.2, NM_001304723.2); c.324T>A, p.Ala108= (NM_001304724.2).
Identifiers: ClinVar variation 2639157 (VCV002639157.24), dbSNP rs782766870, ClinGen allele CA420894108.